The following is an entry in ClinVar:

ClinVar aggregate classification (germline): Uncertain significance (1 of 4 stars; one submission).

Conditions:
Bethlem myopathy 1A. Also called: Bethlem myopathy 1; Bethlem Muscular Dystrophy; MYOPATHY, BENIGN CONGENITAL, WITH CONTRACTURES. Identifiers: Orphanet 610, MedGen CN029274, MONDO:0024530, OMIM 158810.

Allele frequency attached by ClinVar (database versions not stated): TOPMed below 0.00001; gnomAD 0.00001; gnomAD exomes 0.00001; ExAC 0.00002.
gnomAD v4.1: 10 of 1,612,748 alleles (0.00062%); highest among the groups gnomAD compares: African/African-American, 0.0027%; no homozygotes.

Submission:

Labcorp Genetics (formerly Invitae), Labcorp
Classification: Uncertain significance for Bethlem myopathy 1A. Last evaluated: 2024-08-13. Review status: criteria provided, single submitter. Criteria: Invitae Variant Classification Sherloc (09022015). Collection method: clinical testing. Allele origin: germline.
Comment: This sequence change replaces glycine, which is neutral and non-polar, with serine, which is neutral and polar, at codon 758 of the COL6A2 protein (p.Gly758Ser). This variant is present in population databases (rs773338647, gnomAD 0.005%). This variant has not been reported in the literature in individuals affected with COL6A2-related conditions. ClinVar contains an entry for this variant (Variation ID: 1405430). Invitae Evidence Modeling of protein sequence and biophysical properties (such as structural, functional, and spatial information, amino acid conservation, physicochemical variation, residue mobility, and thermodynamic stability) indicates that this missense variant is expected to disrupt COL6A2 protein function with a positive predictive value of 80%. In summary, the available evidence is currently insufficient to determine the role of this variant in disease. Therefore, it has been classified as a Variant of Uncertain Significance.

NM_001849.4(COL6A2):c.2272G>A (p.Gly758Ser)

Gene: COL6A2 (collagen type VI alpha 2 chain; plus strand). Cytogenetic location: 21q22.3.
Variant type: single nucleotide variant.
Coding change: c.2272G>A on transcript NM_001849.4 (MANE Select); coding-DNA position 2272, G replaced by A.
Protein change: p.Gly758Ser; replaces glycine 758 with serine.
Molecular consequence: missense variant.
Genome position (GRCh38, 1-based): chr21:46,126,087, G>A. VCF-style: chr21-46126087-G-A. GRCh37 (hg19) VCF-style: chr21-47546001-G-A.
Other names: c.2272G>A, p.Gly758Ser (NM_058174.3, NM_058175.3); short protein forms G758S.
Identifiers: ClinVar variation 1405430 (VCV001405430.8), dbSNP rs773338647, ClinGen allele CA10072497.